The following is an entry in ClinVar:

ClinVar aggregate classification (germline): Pathogenic (1 of 4 stars; one submission).

Conditions:
Cardiovascular phenotype. Identifiers: MedGen CN230736.

Submission:

Ambry Genetics
Classification: Pathogenic for Cardiovascular phenotype. Last evaluated: 2017-03-06. Review status: criteria provided, single submitter. Criteria: Ambry Variant Classification Scheme 2023. Collection method: clinical testing. Allele origin: germline.
Comment: The c.1122_1125delAGAG pathogenic mutation, located in coding exon 8 of the ENG gene, results from a deletion of 4 nucleotides at nucleotide positions 1122 to 1125, causing a translational frameshift with a predicted alternate stop codon (p.K374Nfs*6). This alteration is expected to result in loss of function by premature protein truncation or nonsense-mediated mRNA decay. As such, this alteration is interpreted as a disease-causing mutation.

NM_001114753.3(ENG):c.1122_1125del (p.Lys374fs)

Gene: ENG (endoglin; minus strand). Cytogenetic location: 9q34.11.
Variant type: Deletion.
Coding change: c.1122_1125del on transcript NM_001114753.3 (MANE Select); coding-DNA positions 1122 to 1125, 4 bases deleted (AGAG; older notation c.1122_1125delAGAG).
Protein change: p.Lys374fs; shifts the reading frame from lysine 374.
Molecular consequence: frameshift variant.
Genome position (GRCh38, 1-based): chr9:127,824,313-127,824,316, CTCT deleted on the plus strand (AGAG on the coding strand, the reverse complement: ENG is on the minus strand). VCF-style (leftmost placement, unchanged base first): chr9-127824312-GCTCT-G. GRCh37 (hg19) VCF-style: chr9-130586591-GCTCT-G.
Other names: c.1122_1125delAGAG, p.Lys374Asnfs (NM_000118.4, NM_001406715.1); c.576_579del, p.Lys192fs (NM_001278138.2); short protein forms K192fs, K374fs.
Identifiers: ClinVar variation 1797995 (VCV001797995.2), dbSNP rs2539070801, ClinGen allele CA2580079617.
Genomic context (GRCh38, chr9:127,824,312, plus strand): 5'-AGGAACCAGATGTCCATGTCATCCTGAGCCAGAGGGGCAGGAGTTCCCTTACCGCAACAA[GCTCT>G]TTCTTTAGTACCAGGGTCATGGCGTCGTCGGCACACTTTGTCTGGATCAAGGACATGAGC-3'